The following is an entry in ClinVar:

NM_014989.7(RIMS1):c.928C>G (p.Arg310Gly)

Gene: RIMS1 (regulating synaptic membrane exocytosis 1; plus strand). Cytogenetic location: 6q13.
Variant type: single nucleotide variant.
Coding change: c.928C>G on transcript NM_014989.7 (MANE Select); coding-DNA position 928, C replaced by G.
Protein change: p.Arg310Gly; replaces arginine 310 with glycine.
Molecular consequence: missense variant.
Genome position (GRCh38, 1-based): chr6:72,182,399, C>G. VCF-style: chr6-72182399-C-G. GRCh37 (hg19) VCF-style: chr6-72892102-C-G.
Other names: short protein forms R310G.
Identifiers: ClinVar variation 357835 (VCV000357835.12), dbSNP rs758719701, ClinGen allele CA10624556.
Genomic context (GRCh38, chr6:72,182,399, plus strand): 5'-CGGAAACGCGTGCCAAAGACCTCAGCGCAGCCCGTGGAGGGGGCCGTCGAAGAACGGGAG[C>G]GCAAAGAAAGGCGGGAAAGCCGAAGGCTTGAGAAAGGGCGATCACAGGATTACCCAGACA-3'
Protein context (NP_055804.2, residues 300-320): PVEGAVEERE[Arg310Gly]KERRESRRLE

ClinVar aggregate classification (germline): Uncertain significance. Review status: criteria provided, multiple submitters, no conflicts (2 of 4 stars). 2 submissions from 2 submitters: Uncertain significance (2). Last evaluated 2023-02-18.

Conditions:
Cone-rod dystrophy 7 (CORD7). Identifiers: Orphanet 1872, MedGen C1863634, MONDO:0011355, OMIM 603649.

Allele frequency attached by ClinVar (database versions not stated): TOPMed 0.00001.
gnomAD v4.1: 5 of 1,613,652 alleles (0.00031%); highest among the groups gnomAD compares: Middle Eastern, 0.016%; no homozygotes.

Submissions (2):

Labcorp Genetics (formerly Invitae), Labcorp
Classification: Uncertain significance. Last evaluated: 2023-02-18. Review status: criteria provided, single submitter. Criteria: Invitae Variant Classification Sherloc (09022015). Collection method: clinical testing. Allele origin: germline.
Comment: In summary, the available evidence is currently insufficient to determine the role of this variant in disease. Therefore, it has been classified as a Variant of Uncertain Significance. An algorithm developed to predict the effect of missense changes on protein structure and function (PolyPhen-2) suggests that this variant is likely to be tolerated. ClinVar contains an entry for this variant (Variation ID: 357835). This variant has not been reported in the literature in individuals affected with RIMS1-related conditions. This variant is present in population databases (no rsID available, gnomAD 0.0009%). This sequence change replaces arginine, which is basic and polar, with glycine, which is neutral and non-polar, at codon 310 of the RIMS1 protein (p.Arg310Gly).

Illumina Laboratory Services, Illumina
Classification: Uncertain significance for Cone-rod dystrophy 7. Last evaluated: 2018-01-13. Review status: criteria provided, single submitter. Criteria: ICSL Variant Classification Criteria 13 December 2019. Collection method: clinical testing. Allele origin: germline.